The following is an entry in ClinVar:

ClinVar aggregate classification (germline): Uncertain significance. Review status: criteria provided, multiple submitters, no conflicts (2 of 4 stars). 3 submissions from 3 submitters: Uncertain significance (3). Last evaluated 2025-01-24.

Conditions:
Inborn genetic diseases. Identifiers: MedGen C0950123, MeSH D030342.

Allele frequency attached by ClinVar (database versions not stated): ExAC 0.00001; gnomAD 0.00001; gnomAD exomes 0.00001; TOPMed 0.00001.
gnomAD v4.1: 19 of 1,613,962 alleles (0.0012%); highest among the groups gnomAD compares: South Asian, 0.0077%; no homozygotes.

Submissions (3):

Ambry Genetics
Classification: Uncertain significance for Inborn genetic diseases. Last evaluated: 2025-01-24. Review status: criteria provided, single submitter. Criteria: Ambry Variant Classification Scheme 2023. Collection method: clinical testing. Allele origin: germline.

GeneDx
Classification: Uncertain significance. Last evaluated: 2024-11-19. Review status: criteria provided, single submitter. Criteria: GeneDx Variant Classification Process June 2021. Collection method: clinical testing. Allele origin: germline. Affected: yes.
Comment: Not observed at significant frequency in large population cohorts (gnomAD); In silico analysis supports that this missense variant has a deleterious effect on protein structure/function; Has not been previously published as pathogenic or benign to our knowledge

Labcorp Genetics (formerly Invitae), Labcorp
Classification: Uncertain significance. Last evaluated: 2022-07-11. Review status: criteria provided, single submitter. Criteria: Invitae Variant Classification Sherloc (09022015). Collection method: clinical testing. Allele origin: germline.
Comment: This sequence change replaces arginine, which is basic and polar, with tryptophan, which is neutral and slightly polar, at codon 8 of the PIGV protein (p.Arg8Trp). This variant is present in population databases (rs769363441, gnomAD 0.003%). This variant has not been reported in the literature in individuals affected with PIGV-related conditions. ClinVar contains an entry for this variant (Variation ID: 1402673). Algorithms developed to predict the effect of missense changes on protein structure and function output the following: SIFT: "Tolerated"; PolyPhen-2: "Benign"; Align-GVGD: "Class C0". The tryptophan amino acid residue is found in multiple mammalian species, which suggests that this missense change does not adversely affect protein function. In summary, the available evidence is currently insufficient to determine the role of this variant in disease. Therefore, it has been classified as a Variant of Uncertain Significance.

NM_017837.4(PIGV):c.22C>T (p.Arg8Trp)

Gene: PIGV (phosphatidylinositol glycan anchor biosynthesis class V; plus strand). Cytogenetic location: 1p36.11.
Variant type: single nucleotide variant.
Coding change: c.22C>T on transcript NM_017837.4 (MANE Select); coding-DNA position 22, C replaced by T.
Protein change: p.Arg8Trp; replaces arginine 8 with tryptophan.
Molecular consequence: missense variant. On other transcripts: non-coding transcript variant (2), intron variant (1).
Genome position (GRCh38, 1-based): chr1:26,790,837, C>T. VCF-style: chr1-26790837-C-T. GRCh37 (hg19) VCF-style: chr1-27117328-C-T.
Other names: c.22C>T, p.Arg8Trp (NM_001202554.2, NM_001374478.1, NM_001374480.1 and 5 more transcripts); c.-304+3031C>T (NM_001374483.1); short protein forms R8W.
Identifiers: ClinVar variation 1402673 (VCV001402673.7), dbSNP rs769363441, ClinGen allele CA707965.